The following is an entry in ClinVar:

NM_001367873.1(SOX6):c.326G>A (p.Arg109His)

Gene: SOX6 (SRY-box transcription factor 6; minus strand). Cytogenetic location: 11p15.2.
Variant type: single nucleotide variant.
Coding change: c.326G>A on transcript NM_001367873.1 (MANE Select); coding-DNA position 326, G replaced by A.
Protein change: p.Arg109His; replaces arginine 109 with histidine.
Molecular consequence: missense variant.
Genome position (GRCh38, 1-based): chr11:16,318,565, C>T on the plus strand (G>A on the coding strand, the complement: SOX6 is on the minus strand). VCF-style: chr11-16318565-C-T. GRCh37 (hg19) VCF-style: chr11-16340111-C-T.
Other names: c.326G>A, p.Arg109His (NM_001145811.2, NM_001145819.2, NM_001367872.1 and 2 more transcripts); short protein forms R109H.
Identifiers: ClinVar variation 2715130 (VCV002715130.7), dbSNP rs774770291, ClinGen allele CA5898467.

ClinVar aggregate classification (germline): Conflicting classifications of pathogenicity. Review status: criteria provided, conflicting classifications (1 of 4 stars). 2 submissions from 2 submitters: Uncertain significance (1); Likely benign (1). Last evaluated 2026-02-01.

Allele frequency attached by ClinVar (database versions not stated): gnomAD 0.00001; TOPMed 0.00001; gnomAD exomes 0.00002; ExAC 0.00004.
gnomAD v4.1: 29 of 1,613,524 alleles (0.0018%); highest among the groups gnomAD compares: South Asian, 0.015%; no homozygotes.

Submissions (2):

CeGaT Center for Human Genetics Tuebingen
Classification: Likely benign. Last evaluated: 2026-02-01. Review status: criteria provided, single submitter. Criteria: CeGaT Center For Human Genetics Tuebingen Variant Classification Criteria Version 2. Collection method: clinical testing. Allele origin: germline. Affected: yes. Observed: 1 variant allele.
Comment: SOX6: BS2

Labcorp Genetics (formerly Invitae), Labcorp
Classification: Uncertain significance. Last evaluated: 2023-11-19. Review status: criteria provided, single submitter. Criteria: Invitae Variant Classification Sherloc (09022015). Collection method: clinical testing. Allele origin: germline.
Comment: This sequence change replaces arginine, which is basic and polar, with histidine, which is basic and polar, at codon 109 of the SOX6 protein (p.Arg109His). This variant is present in population databases (rs774770291, gnomAD 0.02%). This variant has not been reported in the literature in individuals affected with SOX6-related conditions. An algorithm developed to predict the effect of missense changes on protein structure and function (PolyPhen-2) suggests that this variant is likely to be disruptive. In summary, the available evidence is currently insufficient to determine the role of this variant in disease. Therefore, it has been classified as a Variant of Uncertain Significance.